The following is an entry in ClinVar:

NM_001367943.1(TCF7L2):c.82G>C (p.Glu28Gln)

Gene: TCF7L2 (transcription factor 7 like 2; plus strand). Cytogenetic location: 10q25.2.
Variant type: single nucleotide variant.
Coding change: c.82G>C on transcript NM_001367943.1 (MANE Select); coding-DNA position 82, G replaced by C.
Protein change: p.Glu28Gln; replaces glutamic acid 28 with glutamine.
Molecular consequence: missense variant.
Genome position (GRCh38, 1-based): chr10:112,950,838, G>C. VCF-style: chr10-112950838-G-C. GRCh37 (hg19) VCF-style: chr10-114710597-G-C.
Other names: c.82G>C, p.Glu28Gln (NM_001146274.2, NM_001146283.2, NM_001146284.2 and 11 more transcripts); short protein forms E28Q.
Identifiers: ClinVar variation 2640837 (VCV002640837.24), dbSNP rs2134177455, ClinGen allele CA378531463.

ClinVar aggregate classification (germline): Uncertain significance (1 of 4 stars; one submission).

Submission:

CeGaT Center for Human Genetics Tuebingen
Classification: Uncertain significance. Last evaluated: 2023-06-01. Review status: criteria provided, single submitter. Criteria: CeGaT Center For Human Genetics Tuebingen Variant Classification Criteria Version 2. Collection method: clinical testing. Allele origin: germline. Affected: yes. Observed: 1 variant allele.
Comment: TCF7L2: PM2, PP3